The following is an entry in ClinVar:

ClinVar aggregate classification (germline): Uncertain significance (1 of 4 stars; one submission).

Conditions:
Niemann-Pick disease, type C1. Also called: NIEMANN-PICK DISEASE, VARIANT TYPE C1; NEUROVISCERAL STORAGE DISEASE WITH VERTICAL SUPRANUCLEAR OPHTHALMOPLEGIA; NIEMANN-PICK DISEASE WITH CHOLESTEROL ESTERIFICATION BLOCK; NIEMANN-PICK DISEASE WITHOUT SPHINGOMYELINASE DEFICIENCY; NIEMANN-PICK DISEASE, CHRONIC NEURONOPATHIC FORM. Identifiers: Orphanet 646, MedGen C3179455, MONDO:0009757, OMIM 257220.

Submission:

Labcorp Genetics (formerly Invitae), Labcorp
Classification: Uncertain significance for Niemann-Pick disease, type C1. Last evaluated: 2022-08-05. Review status: criteria provided, single submitter. Criteria: Invitae Variant Classification Sherloc (09022015). Collection method: clinical testing. Allele origin: germline.
Comment: In summary, the available evidence is currently insufficient to determine the role of this variant in disease. Therefore, it has been classified as a Variant of Uncertain Significance. Advanced modeling of protein sequence and biophysical properties (such as structural, functional, and spatial information, amino acid conservation, physicochemical variation, residue mobility, and thermodynamic stability) performed at Invitae indicates that this missense variant is expected to disrupt NPC1 protein function. This variant has not been reported in the literature in individuals affected with NPC1-related conditions. This variant is not present in population databases (gnomAD no frequency). This sequence change replaces cysteine, which is neutral and slightly polar, with serine, which is neutral and polar, at codon 243 of the NPC1 protein (p.Cys243Ser).

NM_000271.5(NPC1):c.728G>C (p.Cys243Ser)

Gene: NPC1 (NPC intracellular cholesterol transporter 1; minus strand). Cytogenetic location: 18q11.2.
Variant type: single nucleotide variant.
Coding change: c.728G>C on transcript NM_000271.5 (MANE Select); coding-DNA position 728, G replaced by C.
Protein change: p.Cys243Ser; replaces cysteine 243 with serine.
Molecular consequence: missense variant.
Genome position (GRCh38, 1-based): chr18:23,560,384, C>G on the plus strand (G>C on the coding strand, the complement: NPC1 is on the minus strand). VCF-style: chr18-23560384-C-G. GRCh37 (hg19) VCF-style: chr18-21140348-C-G.
Other names: short protein forms C243S.
Identifiers: ClinVar variation 1713414 (VCV001713414.3), dbSNP rs2511303079, ClinGen allele CA401781249.